The following is an entry in ClinVar:

ClinVar aggregate classification (germline): Uncertain significance (1 of 4 stars; one submission).

Conditions:
CHD7-related disorder. Also called: CHD7-related condition.

Submission:

PreventionGenetics, part of Exact Sciences
Classification: Uncertain significance for CHD7-related condition. Last evaluated: 2023-03-08. Review status: criteria provided, single submitter. Criteria: ACMG Guidelines, 2015. Collection method: clinical testing. Allele origin: germline.
Comment: The CHD7 c.8991A>C variant is predicted to result in the amino acid substitution p.Glu2997Asp. To our knowledge, this variant has not been reported in the literature or in a large population database, indicating this variant is rare. At this time, the clinical significance of this variant is uncertain due to the absence of conclusive functional and genetic evidence.

NM_017780.4(CHD7):c.8991A>C (p.Glu2997Asp)

Gene: CHD7 (chromodomain helicase DNA binding protein 7; plus strand). Cytogenetic location: 8q12.2.
Variant type: single nucleotide variant.
Coding change: c.8991A>C on transcript NM_017780.4 (MANE Select); coding-DNA position 8991, A replaced by C.
Protein change: p.Glu2997Asp; replaces glutamic acid 2997 with aspartic acid.
Molecular consequence: missense variant.
Genome position (GRCh38, 1-based): chr8:60,865,930, A>C. VCF-style: chr8-60865930-A-C. GRCh37 (hg19) VCF-style: chr8-61778489-A-C.
Other names: c.2844A>C, p.Glu948Asp (NM_001316690.1); short protein forms E2997D, E948D.
Identifiers: ClinVar variation 2633513 (VCV002633513.1), dbSNP rs2488156400, ClinGen allele CA371313691.